The following is an entry in ClinVar:

NM_000203.5(IDUA):c.629_634delinsACGAA (p.Arg210fs)

Gene: IDUA (alpha-L-iduronidase; plus strand). Cytogenetic location: 4p16.3.
Variant type: Indel.
Coding change: c.629_634delinsACGAA on transcript NM_000203.5 (MANE Select); coding-DNA positions 629 to 634, GCGCCG replaced by ACGAA.
Protein change: p.Arg210fs; shifts the reading frame from arginine 210.
Molecular consequence: frameshift variant. On other transcripts: non-coding transcript variant (1).
Genome position (GRCh38, 1-based): chr4:1,001,718-1,001,723, GCGCCG replaced by ACGAA. VCF-style: chr4-1001718-GCGCCG-ACGAA. GRCh37 (hg19) VCF-style: chr4-995506-GCGCCG-ACGAA.
Other names: c.233_238delinsACGAA, p.Arg78fs (NM_001363576.1); short protein forms R210fs, R78fs.
Identifiers: ClinVar variation 4817937 (VCV004817937.1).
Genomic context (GRCh38, chr4:1,001,718, plus strand): 5'-CGCAGTGCTCCCCCGGCCCAGGCTTCCTGAACTACTACGATGCCTGCTCGGAGGGTCTGC[GCGCCG>ACGAA]CCAGCCCCGCCCTGCGGCTGGGAGGCCCCGGCGACTCCTTCCACACCCCACCGCGATCCC-3'

ClinVar aggregate classification (germline): Likely pathogenic (1 of 4 stars; one submission).

Conditions:
Mucopolysaccharidosis type 1. Also called: IDUA deficiency; MPS I; Mucopolysaccharidosis Type I. Identifiers: Orphanet 579, MedGen C0023786, MONDO:0001586.

Submission:

Natera, Inc.
Classification: Likely pathogenic for Mucopolysaccharidosis type I. Last evaluated: 2024-09-14. Review status: criteria provided, single submitter. Criteria: Natera Variant Classification Schema (03/2026). Collection method: clinical testing. Allele origin: germline.
Comment: The c.629_634delinsACGAA variant in IDUA is a frameshift variant predicted to shift the reading frame beginning at codon 210 and leads to a stop codon 24 codons downstream. This variant is expected to result in nonsense mediated decay, truncation, or a dysfunctional protein product. This variant is rare in the general population with a frequency below the threshold expected for the associated phenotype(s). Given the available evidence, this variant is classified as Likely Pathogenic.